The following is an entry in ClinVar:

ClinVar aggregate classification (germline): Uncertain significance. Review status: criteria provided, multiple submitters, no conflicts (2 of 4 stars). 3 submissions from 3 submitters: Uncertain significance (2). 1 of the submissions does not count toward it. Last evaluated 2021-09-01.

Conditions:
Granulomatous disease, chronic, X-linked. Also called: CYTOCHROME b-NEGATIVE GRANULOMATOUS DISEASE, CHRONIC, X-LINKED; GRANULOMATOUS DISEASE, CHRONIC, X-LINKED, SOMATIC MOSAIC. Identifiers: Orphanet 379, MedGen C1844376, MONDO:0010600, OMIM 306400.
X-linked Mendelian susceptibility to mycobacterial diseases due to CYBB deficiency. Also called: IMMUNODEFICIENCY 34; IMMUNODEFICIENCY 34, MYCOBACTERIOSIS, X-LINKED. Identifiers: Orphanet 319605, MedGen C1970859, MONDO:0010389, OMIM 300645.
Chronic granulomatous disease. Identifiers: Orphanet 379, MedGen C0018203, MONDO:0018305.

Allele frequency attached by ClinVar (database versions not stated): gnomAD exomes below 0.00001; TOPMed 0.00001.
gnomAD v4.1: 1 of 1,210,939 alleles (0.000083%); highest among the groups gnomAD compares: Non-Finnish European, 0.00011%; no homozygotes.

Submissions (3):

Labcorp Genetics (formerly Invitae), Labcorp
Classification: Uncertain significance for Granulomatous disease, chronic, X-linked. Last evaluated: 2021-09-01. Review status: criteria provided, single submitter. Criteria: Invitae Variant Classification Sherloc (09022015). Collection method: clinical testing. Allele origin: germline.
Comment: This sequence change replaces alanine with threonine at codon 431 of the CYBB protein (p.Ala431Thr). The alanine residue is highly conserved and there is a small physicochemical difference between alanine and threonine. This variant is not present in population databases (ExAC no frequency). This missense change has been observed in individual(s) with chronic granulomatous disease (PMID: 24276928). Algorithms developed to predict the effect of missense changes on protein structure and function (SIFT, PolyPhen-2, Align-GVGD) all suggest that this variant is likely to be tolerated. In summary, the available evidence is currently insufficient to determine the role of this variant in disease. Therefore, it has been classified as a Variant of Uncertain Significance.

Fulgent Genetics
Classification: Uncertain significance for X-linked Mendelian susceptibility to mycobacterial diseases due to CYBB deficiency; Granulomatous disease, chronic, X-linked. Last evaluated: 2021-08-04. Review status: criteria provided, single submitter. Criteria: ACMG Guidelines, 2015. Collection method: clinical testing. Allele origin: unknown.

Natera, Inc.
Classification: Uncertain significance for Chronic granulomatous disease. Last evaluated: 2020-07-14. Review status: no assertion criteria provided. Collection method: clinical testing. Allele origin: germline. Not counted in ClinVar's aggregate classification.

Literature cited by the submitters: PubMed 24276928 (cited by Labcorp Genetics (formerly Invitae), Labcorp).

NM_000397.4(CYBB):c.1291G>A (p.Ala431Thr)

Gene: CYBB (cytochrome b-245 beta chain; plus strand). Cytogenetic location: Xp11.4.
Variant type: single nucleotide variant.
Coding change: c.1291G>A on transcript NM_000397.4 (MANE Select); coding-DNA position 1291, G replaced by A.
Protein change: p.Ala431Thr; replaces alanine 431 with threonine.
Molecular consequence: missense variant.
Genome position (GRCh38, 1-based): chrX:37,805,145, G>A. VCF-style: chrX-37805145-G-A. GRCh37 (hg19) VCF-style: chrX-37664398-G-A.
Other names: short protein forms A431T.
Identifiers: ClinVar variation 965223 (VCV000965223.8), dbSNP rs1929532655, ClinGen allele CA412977910.